The following is an entry in ClinVar:

ClinVar aggregate classification (germline): Pathogenic. Review status: criteria provided, multiple submitters, no conflicts (2 of 4 stars). 4 submissions from 4 submitters: Pathogenic (2). 2 of the submissions do not count toward it. Last evaluated 2026-01-26.

Conditions:
Neuropathy, hereditary sensory and autonomic, type 2A (HSAN2A). Also called: ACROOSTEOLYSIS, GIACCAI TYPE; ACROOSTEOLYSIS, NEUROGENIC; WNK1-Related HSAN2 (HSAN2A); HSAN IIA; MORVAN DISEASE; NEUROPATHY, CONGENITAL SENSORY. Identifiers: Orphanet 970, MedGen C2752089, MONDO:0024309, OMIM 201300.
Pseudohypoaldosteronism type 2C (PHA2C). Also called: Pseudohypoaldosteronism Type IIC. Identifiers: Orphanet 757, Orphanet 88940, MedGen C1840391, MONDO:0013778, OMIM 614492.
Inborn genetic diseases. Identifiers: MedGen C0950123, MeSH D030342.

Allele frequency attached by ClinVar (database versions not stated): gnomAD 0.00001; gnomAD exomes 0.00001.

Submissions (4):

Labcorp Genetics (formerly Invitae), Labcorp
Classification: Pathogenic for Neuropathy, hereditary sensory and autonomic, type 2A; Pseudohypoaldosteronism type 2C. Last evaluated: 2026-01-26. Review status: criteria provided, single submitter. Criteria: Invitae Variant Classification Sherloc (09022015). Collection method: clinical testing. Allele origin: germline.
Comment: This sequence change creates a premature translational stop signal (p.Asp1165*) in the WNK1 gene. It is expected to result in an absent or disrupted protein product. Loss-of-function variants in WNK1 are known to be pathogenic (PMID: 22910560). This variant is not present in population databases (gnomAD no frequency). This premature translational stop signal has been observed in individual(s) with autosomal recessive sensory and autonomic polyneuropathy (PMID: 28422281). This variant is also known as c.3237_3238insT (p.Asp1080*). ClinVar contains an entry for this variant (Variation ID: 973162). For these reasons, this variant has been classified as Pathogenic.

Ambry Genetics
Classification: Pathogenic for Inborn genetic diseases. Last evaluated: 2023-09-01. Review status: criteria provided, single submitter. Criteria: Ambry Variant Classification Scheme 2023. Collection method: clinical testing. Allele origin: germline.
Comment: The c.3492dupT (p.D1165*) alteration, located in exon 10 (coding exon 10) of the WNK1 gene, consists of a duplication of T at position 3492. This changes the amino acid from an aspartic acid (D) to a stop codon at amino acid position 1165.This alteration is expected to result in loss of function by premature protein truncation or nonsense-mediated mRNA decay. Based on the available evidence, the WNK1 c.3492dupT (p.D1165*) alteration is classified as pathogenic for autosomal recessive WNK1-related hereditary sensory and autonomic neuropathy; however, it is unlikely to be causative of autosomal dominant WNK1-related pseudohypoaldosteronism. This variant was not reported in population-based cohorts in the Genome Aggregation Database (gnomAD). This alteration was detected in the homozygous state and in conjunction with another alteration in WNK1 in multiple individuals with clinical features consistent with WNK1-related hereditary sensory and autonomic neuropathy type II (Yuan, 2017; Cho, 2006; Takagi, 2006). Based on the available evidence, this alteration is classified as pathogenic.

Institute of Human Genetics, University Hospital Jena
Classification: Pathogenic for Neuropathy, hereditary sensory and autonomic, type 2A. Last evaluated: 2020-07-08. Review status: no assertion criteria provided. Collection method: clinical testing. Allele origin: germline. Affected: yes. Not counted in ClinVar's aggregate classification.

GeneReviews
No classification provided. Condition: Neuropathy, hereditary sensory and autonomic, type 2A. Review status: no classification provided. Collection method: literature only. Allele origin: germline. Not counted in ClinVar's aggregate classification.
Comment: Japanese founder variant

Literature cited by the submitters: PubMed 22910560 (cited by Labcorp Genetics (formerly Invitae), Labcorp); PubMed 28422281 (cited by 4 submitters); PubMed 16636245 (cited by Ambry Genetics and Institute of Human Genetics, University Hospital Jena); PubMed 16946995 (cited by Ambry Genetics and Institute of Human Genetics, University Hospital Jena); PubMed 29701257 (cited by Institute of Human Genetics, University Hospital Jena); PubMed 27765018 (cited by Institute of Human Genetics, University Hospital Jena); PubMed 21089229 (cited by GeneReviews).

NM_213655.5(WNK1):c.3492dup (p.Asp1165Ter)

Gene: WNK1 (WNK lysine deficient protein kinase 1; plus strand). Cytogenetic location: 12p13.33.
Variant type: Duplication.
Coding change: c.3492dup on transcript NM_213655.5 (MANE Plus Clinical); coding-DNA position 3492, one base duplicated (T; older notation c.3492dupT).
Protein change: p.Asp1165Ter; replaces aspartic acid 1165 with a stop codon.
Molecular consequence: nonsense. On other transcripts: intron variant (2).
Genome position (GRCh38, 1-based): chr12:868,963, T duplicated. VCF-style (leftmost placement, unchanged base first): chr12-868962-C-CT. GRCh37 (hg19) VCF-style: chr12-978128-C-CT.
Other names: c.3237dup, p.Asp1080Ter (NM_001184985.2); c.2140-2302dup (NM_018979.4, NM_014823.3); c.3492dupT (NM_213655.5, NM_213655.4); short protein forms D1080*, D1165*.
Identifiers: ClinVar variation 973162 (VCV000973162.6), dbSNP rs1951913764, ClinGen allele CA1139662443.